The following is an entry in ClinVar:

ClinVar aggregate classification (germline): Uncertain significance (1 of 4 stars; one submission).

Conditions:
Charcot-Marie-Tooth disease axonal type 2O. Also called: Charcot-Marie-Tooth disease, axonal, type 20; CHARCOT-MARIE-TOOTH NEUROPATHY, AXONAL, TYPE 2O; CHARCOT-MARIE-TOOTH DISEASE, AXONAL, AUTOSOMAL DOMINANT, TYPE 2O; Charcot-Marie-Tooth Neuropathy Type 2O. Identifiers: Orphanet 284232, MedGen C3280220, MONDO:0013644, OMIM 614228.

gnomAD v4.1: 1 of 1,614,212 alleles (0.000062%); highest among the groups gnomAD compares: South Asian, 0.0011%; no homozygotes.

Submission:

Labcorp Genetics (formerly Invitae), Labcorp
Classification: Uncertain significance for Charcot-Marie-Tooth disease axonal type 2O. Last evaluated: 2024-02-22. Review status: criteria provided, single submitter. Criteria: Invitae Variant Classification Sherloc (09022015). Collection method: clinical testing. Allele origin: germline.
Comment: This sequence change replaces leucine, which is neutral and non-polar, with valine, which is neutral and non-polar, at codon 341 of the DYNC1H1 protein (p.Leu341Val). This variant is not present in population databases (gnomAD no frequency). This variant has not been reported in the literature in individuals affected with DYNC1H1-related conditions. Advanced modeling of protein sequence and biophysical properties (such as structural, functional, and spatial information, amino acid conservation, physicochemical variation, residue mobility, and thermodynamic stability) has been performed at Invitae for this missense variant, however the output from this modeling did not meet the statistical confidence thresholds required to predict the impact of this variant on DYNC1H1 protein function. In summary, the available evidence is currently insufficient to determine the role of this variant in disease. Therefore, it has been classified as a Variant of Uncertain Significance.

NM_001376.5(DYNC1H1):c.1021C>G (p.Leu341Val)

Gene: DYNC1H1 (dynein cytoplasmic 1 heavy chain 1; plus strand). Cytogenetic location: 14q32.31.
Variant type: single nucleotide variant.
Coding change: c.1021C>G on transcript NM_001376.5 (MANE Select); coding-DNA position 1021, C replaced by G.
Protein change: p.Leu341Val; replaces leucine 341 with valine.
Molecular consequence: missense variant.
Genome position (GRCh38, 1-based): chr14:101,983,078, C>G. VCF-style: chr14-101983078-C-G. GRCh37 (hg19) VCF-style: chr14-102449415-C-G.
Other names: short protein forms L341V.
Identifiers: ClinVar variation 3636115 (VCV003636115.2).